The following is an entry in ClinVar:

ClinVar aggregate classification (germline): Uncertain significance (1 of 4 stars; one submission).

Allele frequency attached by ClinVar (database versions not stated): gnomAD exomes 0.00001.
gnomAD v4.1: 3 of 1,614,044 alleles (0.00019%); highest among the groups gnomAD compares: Non-Finnish European, 0.00025%; no homozygotes.

Submission:

Labcorp Genetics (formerly Invitae), Labcorp
Classification: Uncertain significance. Last evaluated: 2023-08-17. Review status: criteria provided, single submitter. Criteria: Invitae Variant Classification Sherloc (09022015). Collection method: clinical testing. Allele origin: germline.
Comment: In summary, the available evidence is currently insufficient to determine the role of this variant in disease. Therefore, it has been classified as a Variant of Uncertain Significance. Algorithms developed to predict the effect of missense changes on protein structure and function output the following: SIFT: "Not Available"; PolyPhen-2: "Benign"; Align-GVGD: "Not Available". The glutamic acid amino acid residue is found in multiple mammalian species, which suggests that this missense change does not adversely affect protein function. ClinVar contains an entry for this variant (Variation ID: 1375702). This variant has not been reported in the literature in individuals affected with GPR179-related conditions. This variant is not present in population databases (gnomAD no frequency). This sequence change replaces lysine, which is basic and polar, with glutamic acid, which is acidic and polar, at codon 1620 of the GPR179 protein (p.Lys1620Glu).

NM_001004334.4(GPR179):c.4858A>G (p.Lys1620Glu)

Gene: GPR179 (G protein-coupled receptor 179; minus strand). Cytogenetic location: 17q12.
Variant type: single nucleotide variant.
Coding change: c.4858A>G on transcript NM_001004334.4 (MANE Select); coding-DNA position 4858, A replaced by G.
Protein change: p.Lys1620Glu; replaces lysine 1620 with glutamic acid.
Molecular consequence: missense variant.
Genome position (GRCh38, 1-based): chr17:38,328,711, T>C on the plus strand (A>G on the coding strand, the complement: GPR179 is on the minus strand). VCF-style: chr17-38328711-T-C. GRCh37 (hg19) VCF-style: chr17-36484594-T-C.
Other names: short protein forms K1620E.
Identifiers: ClinVar variation 1375702 (VCV001375702.6), dbSNP rs2144258003, ClinGen allele CA398875955.